The following is an entry in ClinVar:

ClinVar aggregate classification (germline): Uncertain significance (1 of 4 stars; one submission).

gnomAD v4.1: 8 of 1,611,498 alleles (0.0005%); highest among the groups gnomAD compares: Non-Finnish European, 0.00068%; no homozygotes.

Submission:

Labcorp Genetics (formerly Invitae), Labcorp
Classification: Uncertain significance. Last evaluated: 2024-02-16. Review status: criteria provided, single submitter. Criteria: Invitae Variant Classification Sherloc (09022015). Collection method: clinical testing. Allele origin: germline.
Comment: This sequence change replaces proline with serine at codon 516 of the COL18A1 protein (p.Pro516Ser). There is a moderate physicochemical difference between proline and serine. This variant is not present in population databases (gnomAD no frequency). This variant has not been reported in the literature in individuals affected with COL18A1-related conditions. ClinVar contains an entry for this variant (Variation ID: 1410237). Experimental studies and prediction algorithms are not available or were not evaluated, and the functional significance of this variant is currently unknown. In summary, the available evidence is currently insufficient to determine the role of this variant in disease. Therefore, it has been classified as a Variant of Uncertain Significance.

NM_001379500.1(COL18A1):c.1546C>T (p.Pro516Ser)

Gene: COL18A1 (collagen type XVIII alpha 1 chain; plus strand). Cytogenetic location: 21q22.3.
Variant type: single nucleotide variant.
Coding change: c.1546C>T on transcript NM_001379500.1 (MANE Select); coding-DNA position 1546, C replaced by T.
Protein change: p.Pro516Ser; replaces proline 516 with serine.
Molecular consequence: missense variant.
Genome position (GRCh38, 1-based): chr21:45,480,793, C>T. VCF-style: chr21-45480793-C-T. GRCh37 (hg19) VCF-style: chr21-46900707-C-T.
Other names: c.2086C>T, p.Pro696Ser (NM_030582.4); c.2791C>T, p.Pro931Ser (NM_130444.3); short protein forms P696S, P931S, P516S.
Identifiers: ClinVar variation 1410237 (VCV001410237.5), dbSNP rs956106136, ClinGen allele CA410517836.